The following is an entry in ClinVar:

ClinVar aggregate classification (germline): Uncertain significance. Review status: criteria provided, multiple submitters, no conflicts (2 of 4 stars). 3 submissions from 3 submitters: Uncertain significance (3). Last evaluated 2025-06-30.

Conditions:
Hypersulfaturia (HYSULF). Identifiers: MedGen C5830511, MONDO:0957268, OMIM 620372.
Nephrolithiasis susceptibility caused by SLC26A1 (CAON1). Also called: NEPHROLITHIASIS, CALCIUM OXALATE, 1. Identifiers: MedGen C5779632, MONDO:0020722, OMIM 167030.
Inborn genetic diseases. Identifiers: MedGen C0950123, MeSH D030342.

Allele frequency attached by ClinVar (database versions not stated): gnomAD exomes 0.00001; ExAC 0.00002; gnomAD 0.00004; TOPMed 0.00006; ESP Exome Variant Server 0.00008; 1000 Genomes Project 30x 0.00016; 1000 Genomes Project 0.00020.
gnomAD v4.1: 20 of 1,612,864 alleles (0.0012%); highest among the groups gnomAD compares: African/African-American, 0.017%; no homozygotes.

Submissions (3):

Ambry Genetics
Classification: Uncertain significance for Inborn genetic diseases. Last evaluated: 2025-06-30. Review status: criteria provided, single submitter. Criteria: Ambry Variant Classification Scheme 2023. Collection method: clinical testing. Allele origin: germline.

Labcorp Genetics (formerly Invitae), Labcorp
Classification: Uncertain significance. Last evaluated: 2025-06-12. Review status: criteria provided, single submitter. Criteria: Invitae Variant Classification Sherloc (09022015). Collection method: clinical testing. Allele origin: germline.
Comment: This sequence change replaces tyrosine, which is neutral and polar, with histidine, which is basic and polar, at codon 103 of the SLC26A1 protein (p.Tyr103His). This variant is present in population databases (rs138233223, gnomAD 0.02%). This variant has not been reported in the literature in individuals affected with SLC26A1-related conditions. ClinVar contains an entry for this variant (Variation ID: 2526095). Invitae Evidence Modeling of protein sequence and biophysical properties (such as structural, functional, and spatial information, amino acid conservation, physicochemical variation, residue mobility, and thermodynamic stability) indicates that this missense variant is expected to disrupt SLC26A1 protein function with a positive predictive value of 80%. In summary, the available evidence is currently insufficient to determine the role of this variant in disease. Therefore, it has been classified as a Variant of Uncertain Significance.

Fulgent Genetics
Classification: Uncertain significance for Nephrolithiasis susceptibility caused by SLC26A1; Hypersulfaturia. Last evaluated: 2024-04-24. Review status: criteria provided, single submitter. Criteria: ACMG Guidelines, 2015. Collection method: clinical testing. Allele origin: germline.

NM_022042.4(SLC26A1):c.307T>C (p.Tyr103His)

Genes: IDUA (alpha-L-iduronidase; plus strand), SLC26A1 (solute carrier family 26 member 1; minus strand). Cytogenetic location: 4p16.3.
Variant type: single nucleotide variant.
Coding change: c.307T>C on transcript NM_022042.4 (MANE Select); coding-DNA position 307, T replaced by C.
Protein change: p.Tyr103His; replaces tyrosine 103 with histidine.
Molecular consequence: missense variant. On other transcripts: intron variant (1).
Genome position (GRCh38, 1-based): chr4:991,397, A>G on the plus strand (T>C on the coding strand, the complement: SLC26A1 is on the minus strand). VCF-style: chr4-991397-A-G. GRCh37 (hg19) VCF-style: chr4-985185-A-G.
Other names: c.307T>C, p.Tyr103His (NM_134425.4, NM_213613.4); c.299+3448A>G (NM_000203.5); short protein forms Y103H.
Identifiers: ClinVar variation 2526095 (VCV002526095.5), dbSNP rs138233223, ClinGen allele CA2801717.